The following is an entry in ClinVar:

ClinVar aggregate classification (germline): Uncertain significance. Review status: criteria provided, multiple submitters, no conflicts (2 of 4 stars). 2 submissions from 2 submitters: Uncertain significance (2). Last evaluated 2025-10-18.

Submissions (2):

Labcorp Genetics (formerly Invitae), Labcorp
Classification: Uncertain significance. Last evaluated: 2025-10-18. Review status: criteria provided, single submitter. Criteria: Invitae Variant Classification Sherloc (09022015). Collection method: clinical testing. Allele origin: germline.
Comment: This sequence change replaces asparagine, which is neutral and polar, with histidine, which is basic and polar, at codon 16 of the PDE6C protein (p.Asn16His). Information on the frequency of this variant in the gnomAD database is not available, as this variant may be reported differently in the database. This variant has not been reported in the literature in individuals affected with PDE6C-related conditions. ClinVar contains an entry for this variant (Variation ID: 1391316). Experimental studies and prediction algorithms are not available or were not evaluated, and the functional significance of this variant is currently unknown. In summary, the available evidence is currently insufficient to determine the role of this variant in disease. Therefore, it has been classified as a Variant of Uncertain Significance.

Blueprint Genetics
Classification: Uncertain significance. Last evaluated: 2022-09-07. Review status: criteria provided, single submitter. Criteria: ACMG Guidelines, 2015. Collection method: clinical testing. Allele origin: germline.

NM_006204.4(PDE6C):c.45_46delinsAC (p.Asn16His)

Gene: PDE6C (phosphodiesterase 6C; plus strand). Cytogenetic location: 10q23.33.
Variant type: Indel.
Coding change: c.45_46delinsAC on transcript NM_006204.4 (MANE Select); coding-DNA positions 45 to 46, GA replaced by AC.
Protein change: p.Asn16His; replaces asparagine 16 with histidine.
Molecular consequence: missense variant.
Genome position (GRCh38, 1-based): chr10:93,612,770-93,612,771, GA replaced by AC. VCF-style: chr10-93612770-GA-AC. GRCh37 (hg19) VCF-style: chr10-95372527-GA-AC.
Other names: short protein forms N16H.
Identifiers: ClinVar variation 1391316 (VCV001391316.7), dbSNP rs2134587307, ClinGen allele CA2573145897.
Genomic context (GRCh38, chr10:93,612,770, plus strand): 5'-CAAAGCAAGCCACACCATGGGTGAGATCAACCAAGTTGCCGTGGAGAAATACCTGGAGGA[GA>AC]ACCCTCAGTTTGCCAAGGAGTACTTTGACAGGAAGTTGCGGGTGGAGGTGCTGGGAGAAA-3'
Protein context (NP_006195.3, residues 6-26): QVAVEKYLEE[Asn16His]PQFAKEYFDR